The following is an entry in ClinVar:

NM_152618.3(BBS12):c.1283A>G (p.Asn428Ser)

Gene: BBS12 (Bardet-Biedl syndrome 12; plus strand). Cytogenetic location: 4q27.
Variant type: single nucleotide variant.
Coding change: c.1283A>G on transcript NM_152618.3 (MANE Select); coding-DNA position 1283, A replaced by G.
Protein change: p.Asn428Ser; replaces asparagine 428 with serine.
Molecular consequence: missense variant.
Genome position (GRCh38, 1-based): chr4:122,743,175, A>G. VCF-style: chr4-122743175-A-G. GRCh37 (hg19) VCF-style: chr4-123664330-A-G.
Other names: c.1283A>G, p.Asn428Ser (NM_001178007.2); short protein forms N428S.
Identifiers: ClinVar variation 5002191 (VCV005002191.1).

ClinVar aggregate classification (germline): Uncertain significance (1 of 4 stars; one submission).

Conditions:
BBS12-related disorder. Also called: BBS12-related condition.

Submission:

PreventionGenetics, part of Exact Sciences
Classification: Uncertain significance for BBS12-related condition. Last evaluated: 2025-03-30. Review status: criteria provided, single submitter. Criteria: ACMG Guidelines, 2015. Collection method: clinical testing. Allele origin: germline.
Comment: The BBS12 c.1283A>G variant is predicted to result in the amino acid substitution p.Asn428Ser. To our knowledge, this variant has not been reported in the literature or in a large population database (gnomAD), indicating this variant is rare. At this time, the clinical significance of this variant is uncertain due to the absence of conclusive functional and genetic evidence.